The following is an entry in ClinVar:

ClinVar aggregate classification (germline): Conflicting classifications of pathogenicity. Review status: criteria provided, conflicting classifications (1 of 4 stars). 4 submissions from 4 submitters: Uncertain significance (1); Likely benign (3). Last evaluated 2025-12-31.

Conditions:
Inborn genetic diseases. Identifiers: MedGen C0950123, MeSH D030342.
CNGB1-related disorder. Also called: CNGB1-related condition.

Allele frequency attached by ClinVar (database versions not stated): gnomAD exomes 0.00011; ExAC 0.00033; ESP Exome Variant Server 0.00033; gnomAD 0.00056 and 0.00059; TOPMed 0.00061; 1000 Genomes Project 30x 0.00141; 1000 Genomes Project 0.00160.
gnomAD v4.1: 138 of 1,578,396 alleles (0.0087%); highest among the groups gnomAD compares: African/African-American, 0.17%; no homozygotes.

Submissions (4):

Labcorp Genetics (formerly Invitae), Labcorp
Classification: Likely benign. Last evaluated: 2025-12-31. Review status: criteria provided, single submitter. Criteria: Invitae Variant Classification Sherloc (09022015). Collection method: clinical testing. Allele origin: germline.

Ambry Genetics
Classification: Uncertain significance for Inborn genetic diseases. Last evaluated: 2025-08-22. Review status: criteria provided, single submitter. Criteria: Ambry Variant Classification Scheme 2023. Collection method: clinical testing. Allele origin: germline.

PreventionGenetics, part of Exact Sciences
Classification: Likely benign for CNGB1-related condition. Last evaluated: 2025-02-25. Review status: criteria provided, single submitter. Criteria: ACMG Guidelines, 2015. Collection method: clinical testing. Allele origin: germline.
Comment: This variant is classified as likely benign based on ACMG/AMP sequence variant interpretation guidelines (Richards et al. 2015 PMID: 25741868, with internal and published modifications).

Blueprint Genetics
Classification: Likely benign. Last evaluated: 2023-05-24. Review status: criteria provided, single submitter. Criteria: ACMG Guidelines, 2015. Collection method: clinical testing. Allele origin: germline.

NM_001297.5(CNGB1):c.635C>T (p.Thr212Ile)

Gene: CNGB1 (cyclic nucleotide gated channel subunit beta 1; minus strand). Cytogenetic location: 16q21.
Variant type: single nucleotide variant.
Coding change: c.635C>T on transcript NM_001297.5 (MANE Select); coding-DNA position 635, C replaced by T.
Protein change: p.Thr212Ile; replaces threonine 212 with isoleucine.
Molecular consequence: missense variant.
Genome position (GRCh38, 1-based): chr16:57,960,014, G>A on the plus strand (C>T on the coding strand, the complement: CNGB1 is on the minus strand). VCF-style: chr16-57960014-G-A. GRCh37 (hg19) VCF-style: chr16-57993918-G-A.
Other names: c.635C>T, p.Thr212Ile (NM_001135639.2); c.617C>T, p.Thr206Ile (NM_001286130.2); short protein forms T206I, T212I.
Identifiers: ClinVar variation 835534 (VCV000835534.11), dbSNP rs376293844, ClinGen allele CA8083729.